The following is an entry in ClinVar:

NM_006379.5(SEMA3C):c.-39+753T>G

Gene: SEMA3C (semaphorin 3C; minus strand). Cytogenetic location: 7q21.11.
Variant type: single nucleotide variant.
Coding change: c.-39+753T>G on transcript NM_006379.5 (MANE Select); 753 bases into the intron after 39 bases upstream of the start codon, T replaced by G.
Molecular consequence: intron variant.
Genome position (GRCh38, 1-based): chr7:80,918,075, A>C on the plus strand (T>G on the coding strand, the complement: SEMA3C is on the minus strand). VCF-style: chr7-80918075-A-C. GRCh37 (hg19) VCF-style: chr7-80547391-A-C.
Other names: c.17-1256T>G (NM_001350120.2, NM_001350120.1); c.-301+753T>G (NM_001350121.2).
Identifiers: ClinVar variation 2657637 (VCV002657637.25), dbSNP rs144517871, ClinGen allele CA12700825.

ClinVar aggregate classification (germline): Benign. Review status: criteria provided, single submitter (1 of 4 stars). 2 submissions from 2 submitters: Benign (1). 1 of the submissions does not count toward it. Last evaluated 2026-03-01.

Conditions:
SEMA3C-related disorder. Also called: SEMA3C-related condition.

Allele frequency attached by ClinVar (database versions not stated): 1000 Genomes Project 0.00319; 1000 Genomes Project 30x 0.00359; TOPMed 0.00814; gnomAD 0.01134.
gnomAD v4.1: 1,716 of 152,300 alleles (1.1%); highest among the groups gnomAD compares: Non-Finnish European, 1.2%; 27 homozygotes.

Submissions (2):

CeGaT Center for Human Genetics Tuebingen
Classification: Benign. Last evaluated: 2026-03-01. Review status: criteria provided, single submitter. Criteria: CeGaT Center For Human Genetics Tuebingen Variant Classification Criteria Version 2. Collection method: clinical testing. Allele origin: germline. Affected: yes. Observed: 6 variant alleles.
Comment: SEMA3C: BS1, BS2

PreventionGenetics, part of Exact Sciences
Classification: Likely benign for SEMA3C-related condition. Last evaluated: 2024-06-24. Review status: no assertion criteria provided. Collection method: clinical testing. Allele origin: germline. Not counted in ClinVar's aggregate classification.
Comment: This variant is classified as likely benign based on ACMG/AMP sequence variant interpretation guidelines (Richards et al. 2015 PMID: 25741868, with internal and published modifications).